The following is an entry in ClinVar:

ClinVar aggregate classification (germline): Likely pathogenic (1 of 4 stars; one submission).

Submission:

Labcorp Genetics (formerly Invitae), Labcorp
Classification: Likely pathogenic. Last evaluated: 2022-02-08. Review status: criteria provided, single submitter. Criteria: Invitae Variant Classification Sherloc (09022015). Collection method: clinical testing. Allele origin: germline.
Comment: In summary, the currently available evidence indicates that the variant is pathogenic, but additional data are needed to prove that conclusively. Therefore, this variant has been classified as Likely Pathogenic. This sequence change replaces glycine, which is neutral and non-polar, with arginine, which is basic and polar, at codon 798 of the CSF1R protein (p.Gly798Arg). This variant is not present in population databases (gnomAD no frequency). This missense change has been observed in individuals with clinical features of hereditary diffuse leukoencephalopathy with spheroids (HDLS) (Invitae). Advanced modeling of protein sequence and biophysical properties (such as structural, functional, and spatial information, amino acid conservation, physicochemical variation, residue mobility, and thermodynamic stability) performed at Invitae indicates that this missense variant is expected to disrupt CSF1R protein function.

NM_001288705.3(CSF1R):c.2392G>C (p.Gly798Arg)

Gene: CSF1R (colony stimulating factor 1 receptor; minus strand). Cytogenetic location: 5q32.
Variant type: single nucleotide variant.
Coding change: c.2392G>C on transcript NM_001288705.3 (MANE Select); coding-DNA position 2392, G replaced by C.
Protein change: p.Gly798Arg; replaces glycine 798 with arginine.
Molecular consequence: missense variant. On other transcripts: non-coding transcript variant (2).
Genome position (GRCh38, 1-based): chr5:150,056,269, C>G on the plus strand (G>C on the coding strand, the complement: CSF1R is on the minus strand). VCF-style: chr5-150056269-C-G. GRCh37 (hg19) VCF-style: chr5-149435832-C-G.
Other names: c.2392G>C, p.Gly798Arg (NM_001349736.2, NM_001375320.1, NM_005211.4); c.1948G>C, p.Gly650Arg (NM_001375321.1); short protein forms G798R, G650R.
Identifiers: ClinVar variation 1370348 (VCV001370348.6), dbSNP rs1209791630, ClinGen allele CA361758883.